The following is an entry in ClinVar:

NM_002458.3(MUC5B):c.14748C>T (p.Phe4916=)

Gene: MUC5B (mucin 5B, oligomeric mucus/gel-forming; plus strand). Cytogenetic location: 11p15.5.
Variant type: single nucleotide variant.
Coding change: c.14748C>T on transcript NM_002458.3 (MANE Select); coding-DNA position 14748, C replaced by T.
Protein change: p.Phe4916=; no amino-acid change (phenylalanine 4916 retained).
Molecular consequence: synonymous variant.
Genome position (GRCh38, 1-based): chr11:1,251,628, C>T. VCF-style: chr11-1251628-C-T. GRCh37 (hg19) VCF-style: chr11-1272858-C-T.
Identifiers: ClinVar variation 403180 (VCV000403180.6), dbSNP rs4963059, ClinGen allele CA5808819.

ClinVar aggregate classification (germline): Benign. Review status: criteria provided, multiple submitters, no conflicts (2 of 4 stars). 3 submissions from 3 submitters: Benign (3). Last evaluated 2018-11-12.

Allele frequency attached by ClinVar (database versions not stated): ESP Exome Variant Server 0.26012; gnomAD 0.28707 and 0.29113; TOPMed 0.29343; gnomAD exomes 0.31117 and 0.31967; ExAC 0.31906; 1000 Genomes Project 30x 0.33260; 1000 Genomes Project 0.33886.
gnomAD v4.1: 498,940 of 1,612,710 alleles (31%); highest among the groups gnomAD compares: East Asian, 60%; 79,760 homozygotes.

Submissions (3):

GeneDx
Classification: Benign. Last evaluated: 2018-11-12. Review status: criteria provided, single submitter. Criteria: GeneDx Variant Classification Process June 2021. Collection method: clinical testing. Allele origin: germline. Affected: yes.

Laboratory for Molecular Medicine, Mass General Brigham Personalized Medicine
Classification: Benign. Last evaluated: 2016-03-28. Review status: criteria provided, single submitter. Criteria: LMM Criteria. Collection method: clinical testing. Allele origin: germline.
Comment: Variant identified in a genome or exome case(s) and assessed due to predicted null impact of the variant or pathogenic assertions in the literature or databases. Disclaimer: This variant has not undergone full assessment. The following are preliminary notes: Frequency

Breakthrough Genomics
Classification: Benign. Review status: criteria provided, single submitter. Criteria: ACMG Guidelines, 2015. Collection method: not provided. Allele origin: germline. Inheritance: Autosomal dominant inheritance. Affected: yes.